The following is an entry in ClinVar:

ClinVar aggregate classification (germline): Uncertain significance (1 of 4 stars; one submission).

Allele frequency attached by ClinVar (database versions not stated): gnomAD exomes below 0.00001; gnomAD 0.00001; TOPMed 0.00001.

Submission:

Labcorp Genetics (formerly Invitae), Labcorp
Classification: Uncertain significance. Last evaluated: 2020-08-27. Review status: criteria provided, single submitter. Criteria: Invitae Variant Classification Sherloc (09022015). Collection method: clinical testing. Allele origin: germline.
Comment: This variant has not been reported in the literature in individuals with PLK4-related conditions. This variant is not present in population databases (ExAC no frequency). This sequence change replaces asparagine with serine at codon 103 of the PLK4 protein (p.Asn103Ser). The asparagine residue is highly conserved and there is a small physicochemical difference between asparagine and serine. In summary, the available evidence is currently insufficient to determine the role of this variant in disease. Therefore, it has been classified as a Variant of Uncertain Significance. Algorithms developed to predict the effect of missense changes on protein structure and function (SIFT, PolyPhen-2, Align-GVGD) all suggest that this variant is likely to be tolerated, but these predictions have not been confirmed by published functional studies and their clinical significance is uncertain.

NM_014264.5(PLK4):c.308A>G (p.Asn103Ser)

Gene: PLK4 (polo like kinase 4; plus strand). Cytogenetic location: 4q28.1.
Variant type: single nucleotide variant.
Coding change: c.308A>G on transcript NM_014264.5 (MANE Select); coding-DNA position 308, A replaced by G.
Protein change: p.Asn103Ser; replaces asparagine 103 with serine.
Molecular consequence: missense variant.
Genome position (GRCh38, 1-based): chr4:127,883,524, A>G. VCF-style: chr4-127883524-A-G. GRCh37 (hg19) VCF-style: chr4-128804679-A-G.
Other names: c.212A>G, p.Asn71Ser (NM_001190799.2); c.185A>G, p.Asn62Ser (NM_001190801.2); short protein forms N103S, N62S, N71S.
Identifiers: ClinVar variation 1052603 (VCV001052603.5), dbSNP rs1227641824, ClinGen allele CA358167717.
Genomic context (GRCh38, chr4:127,883,524, plus strand): 5'-ATTATGTGTATCTGGTATTAGAAATGTGCCATAATGGAGAAATGAACAGGTATCTAAAGA[A>G]TAGAGTGAAACCCTTCTCAGAAAATGAAGGTAGGTGTGTGGTTTTTTTTGTTTGTTTTGT-3'
Protein context (NP_055079.3, residues 93-113): HNGEMNRYLK[Asn103Ser]RVKPFSENEA